The following is an entry in ClinVar:

NM_001166108.2(PALLD):c.1965-12792C>G

Gene: PALLD (palladin, cytoskeletal associated protein; plus strand). Cytogenetic location: 4q32.3.
Variant type: single nucleotide variant.
Coding change: c.1965-12792C>G on transcript NM_001166108.2 (MANE Select); 12792 bases into the intron before coding-DNA position 1965, C replaced by G.
Molecular consequence: intron variant. On other transcripts: missense variant (1).
Genome position (GRCh38, 1-based): chr4:168,878,130, C>G. VCF-style: chr4-168878130-C-G. GRCh37 (hg19) VCF-style: chr4-169799281-C-G.
Other names: c.239C>G, p.Pro80Arg (NM_001166110.2); c.1965-12792C>G (NM_016081.4); c.819-12792C>G (NM_001166109.2); c.-157-12792C>G (NM_001367570.1, NM_001367568.1, NM_001367567.1 and 1 more transcripts); short protein forms P80R.
Identifiers: ClinVar variation 3927560 (VCV003927560.1).

ClinVar aggregate classification (germline): Uncertain significance (1 of 4 stars; one submission).

gnomAD v4.1: 3 of 1,483,096 alleles (0.0002%); highest among the groups gnomAD compares: Non-Finnish European, 0.00018%; no homozygotes.

Submission:

Ambry Genetics
Classification: Uncertain significance. Last evaluated: 2025-05-25. Review status: criteria provided, single submitter. Criteria: Ambry Variant Classification Scheme 2023. Collection method: clinical testing. Allele origin: germline.
Comment: The p.P80R variant (also known as c.239C>G), located in coding exon 1 of the PALLD gene, results from a C to G substitution at nucleotide position 239. The proline at codon 80 is replaced by arginine, an amino acid with dissimilar properties. This amino acid position is conserved. In addition, this alteration is predicted to be tolerated by in silico analysis. Based on the available evidence, the clinical significance of this variant remains unclear.